The following is an entry in ClinVar:

NM_206933.4(USH2A):c.10933G>A (p.Val3645Ile)

Gene: USH2A (usherin; minus strand). Cytogenetic location: 1q41.
Variant type: single nucleotide variant.
Coding change: c.10933G>A on transcript NM_206933.4 (MANE Select); coding-DNA position 10933, G replaced by A.
Protein change: p.Val3645Ile; replaces valine 3645 with isoleucine.
Molecular consequence: missense variant.
Genome position (GRCh38, 1-based): chr1:215,779,849, C>T on the plus strand (G>A on the coding strand, the complement: USH2A is on the minus strand). VCF-style: chr1-215779849-C-T. GRCh37 (hg19) VCF-style: chr1-215953191-C-T.
Other names: short protein forms V3645I.
Identifiers: ClinVar variation 48363 (VCV000048363.8), dbSNP rs397517970, ClinGen allele CA143241.

ClinVar aggregate classification (germline): Uncertain significance. Review status: criteria provided, multiple submitters, no conflicts (2 of 4 stars). 5 submissions from 4 submitters: Uncertain significance (3). 2 of the submissions do not count toward it. Last evaluated 2023-11-04.

Conditions:
Retinitis pigmentosa 39 (RP39). Identifiers: Orphanet 791, MedGen C3151138, MONDO:0013436, OMIM 613809.
Usher syndrome type 2A. Also called: RETINAL DISEASE IN USHER SYNDROME TYPE IIA, MODIFIER OF; USHER SYNDROME, TYPE IIA. Identifiers: Orphanet 231178, Orphanet 886, MedGen C1848634, MONDO:0010169, OMIM 276901.

Allele frequency attached by ClinVar (database versions not stated): gnomAD 0.00001 and 0.00002; gnomAD exomes 0.00001.
gnomAD v4.1: 8 of 1,613,848 alleles (0.0005%); highest among the groups gnomAD compares: Non-Finnish European, 0.00068%; no homozygotes.

Submissions (5):

Genome-Nilou Lab
Classification: Uncertain significance for Retinitis pigmentosa 39. Last evaluated: 2023-11-04. Review status: criteria provided, single submitter. Criteria: ACMG Guidelines, 2015. Collection method: clinical testing. Allele origin: germline. Affected: no.

Genome-Nilou Lab
Classification: Uncertain significance for Usher syndrome type 2A. Last evaluated: 2023-11-04. Review status: criteria provided, single submitter. Criteria: ACMG Guidelines, 2015. Collection method: clinical testing. Allele origin: germline. Affected: no.

Laboratory for Molecular Medicine, Mass General Brigham Personalized Medicine
Classification: Uncertain significance. Last evaluated: 2011-09-04. Review status: criteria provided, single submitter. Criteria: LMM Criteria. Collection method: clinical testing. Allele origin: germline. Observed: 3 variant alleles.
Comment: The Val3645Ile variant in USH2A has not been reported in the literature nor prev iously identified by our laboratory. This residue is conserved across species an d computational analyses (PolyPhen2, SIFT, AlignGVGD) suggest that the Arg626Gln variant may impact the protein. However, this information is not predictive eno ugh to assume pathogenicity. In summary, the clinical significance of this varia nt cannot be determined with certainty at this time.

Natera, Inc.
Classification: Uncertain significance for Usher syndrome type 2A. Last evaluated: 2020-09-16. Review status: no assertion criteria provided. Collection method: clinical testing. Allele origin: germline. Not counted in ClinVar's aggregate classification.

Counsyl
Classification: Uncertain significance for Usher syndrome type 2A; Retinitis pigmentosa 39. Last evaluated: 2017-10-02. Review status: no assertion criteria provided. Collection method: clinical testing. Allele origin: unknown. Not counted in ClinVar's aggregate classification.